The following is an entry in ClinVar:

ClinVar aggregate classification (germline): Uncertain significance. Review status: criteria provided, multiple submitters, no conflicts (2 of 4 stars). 4 submissions from 4 submitters: Uncertain significance (4). Last evaluated 2022-02-04.

Conditions:
Hereditary spastic paraplegia. Also called: Familial spastic paraparesis. Identifiers: Orphanet 685, MedGen C0037773, MONDO:0019064. Disease mechanism: loss of function.
Spastic paraplegia. Identifiers: MedGen C0037772, HP:0001258.

Submissions (4):

Labcorp Genetics (formerly Invitae), Labcorp
Classification: Uncertain significance for Spastic paraplegia. Last evaluated: 2022-02-04. Review status: criteria provided, single submitter. Criteria: Invitae Variant Classification Sherloc (09022015). Collection method: clinical testing. Allele origin: germline.
Comment: In summary, the available evidence is currently insufficient to determine the role of this variant in disease. Therefore, it has been classified as a Variant of Uncertain Significance. Experimental studies and prediction algorithms are not available or were not evaluated, and the functional significance of this variant is currently unknown. ClinVar contains an entry for this variant (Variation ID: 418497). This variant has not been reported in the literature in individuals affected with SLC33A1-related conditions. This variant is present in population databases (rs772861569, gnomAD 0.002%). This sequence change creates a premature translational stop signal (p.Val504Glyfs*26) in the SLC33A1 gene. While this is not anticipated to result in nonsense mediated decay, it is expected to disrupt the last 46 amino acid(s) of the SLC33A1 protein.

Blueprint Genetics
Classification: Uncertain significance. Last evaluated: 2019-12-17. Review status: criteria provided, single submitter. Criteria: ACMG Guidelines, 2015. Collection method: clinical testing. Allele origin: germline.

Genome Diagnostics Laboratory, The Hospital for Sick Children
Classification: Uncertain significance for Hereditary spastic paraplegia. Last evaluated: 2019-12-01. Review status: criteria provided, single submitter. Criteria: ACMG Guidelines, 2015. Collection method: clinical testing. Allele origin: germline. Affected: yes.

GeneDx
Classification: Uncertain significance. Last evaluated: 2017-10-27. Review status: criteria provided, single submitter. Criteria: GeneDx Variant Classification (06012015). Collection method: clinical testing. Allele origin: germline. Affected: yes.
Comment: The c.1511_1521del11 variant in the SLC33A1 gene has not been reported previously as a pathogenic variant nor as a benign variant, to our knowledge. The c.1511_1521del11 variant causes a frameshift starting with codon Valine 504, changes this amino acid to a Glycine residue and creates a premature Stop codon at position 26 of the new reading frame, denoted p.Val504GlyfsX26. This variant is predicted to cause loss of normal protein function through protein truncation. The c.1511_1521del11 variant is not observed at a significant frequency in large population cohorts (Lek et al., 2016). We interpret the c.1511_1521del11 variant as a variant of uncertain significance.

NM_004733.4(SLC33A1):c.1511_1521del (p.Val504fs)

Gene: SLC33A1 (solute carrier family 33 member 1; minus strand). Cytogenetic location: 3q25.31.
Variant type: Deletion.
Coding change: c.1511_1521del on transcript NM_004733.4 (MANE Select); coding-DNA positions 1511 to 1521, 11 bases deleted (TTACAGCCCTG).
Protein change: p.Val504fs; shifts the reading frame from valine 504.
Molecular consequence: frameshift variant.
Genome position (GRCh38, 1-based): chr3:155,828,339-155,828,349, CAGGGCTGTAA deleted on the plus strand (TTACAGCCCTG on the coding strand, the reverse complement: SLC33A1 is on the minus strand); deleting any 11 consecutive bases within chr3:155,828,339-155,828,351 gives the same sequence; the c. name uses the placement nearest the transcript's 3' end. VCF-style (leftmost placement, unchanged base first): chr3-155828338-CCAGGGCTGTAA-C. GRCh37 (hg19) VCF-style: chr3-155546127-CCAGGGCTGTAA-C.
Other names: c.1511_1521del (NM_004733.3); c.1511_1521del, p.Val504fs (NM_001190992.2); c.1205_1215del, p.Val402fs (NM_001363883.1); short protein forms V504fs, V402fs.
Identifiers: ClinVar variation 418497 (VCV000418497.20), dbSNP rs772861569, ClinGen allele CA2677218.
Genomic context (GRCh38, chr3:155,828,338, plus strand): 5'-GAAAGAACCACCAACCAAATCCAATGAAAACACAAATAATGGACTCCACATAATAACCAT[CCAGGGCTGTAA>C]CACATGAGCCACCCAGTTTTTTGCAAAGCTGTAAAAATAAAACTATAATAAATACTCCAC-3'